The following is an entry in ClinVar:

NM_015978.3(TNNI3K):c.161C>G (p.Ala54Gly)

Genes: FPGT-TNNI3K (FPGT-TNNI3K readthrough; plus strand), TNNI3K (TNNI3 interacting kinase; plus strand). Cytogenetic location: 1p31.1.
Variant type: single nucleotide variant.
Coding change: c.161C>G on transcript NM_015978.3 (MANE Select); coding-DNA position 161, C replaced by G.
Protein change: p.Ala54Gly; replaces alanine 54 with glycine.
Molecular consequence: missense variant.
Genome position (GRCh38, 1-based): chr1:74,249,470, C>G. VCF-style: chr1-74249470-C-G. GRCh37 (hg19) VCF-style: chr1-74715154-C-G.
Other names: c.464C>G, p.Ala155Gly (NM_001112808.3, NM_001199327.2); short protein forms A54G, A155G.
Identifiers: ClinVar variation 4772177 (VCV004772177.1).
Genomic context (GRCh38, chr1:74,249,470, plus strand): 5'-ATATGCTAAAAGATGAATTTTGTGATCATCTGTAACATGTTTTTTTCAGCTCTGATGAAG[C>G]CTTCAGTAAAGTCAATTTAAATTACCGCACTGAAAATGGGCTGTCTCTACTTCATTTATG-3'
Protein context (NP_057062.1, residues 44-64): ELRNIFGSDE[Ala54Gly]FSKVNLNYRT

ClinVar aggregate classification (germline): Uncertain significance (1 of 4 stars; one submission).

gnomAD v4.1: 2 of 1,612,574 alleles (0.00012%); highest among the groups gnomAD compares: South Asian, 0.0022%; no homozygotes.

Submission:

Labcorp Genetics (formerly Invitae), Labcorp
Classification: Uncertain significance. Last evaluated: 2025-11-06. Review status: criteria provided, single submitter. Criteria: Invitae Variant Classification Sherloc (09022015). Collection method: clinical testing. Allele origin: germline.
Comment: This sequence change replaces alanine, which is neutral and non-polar, with glycine, which is neutral and non-polar, at codon 54 of the TNNI3K protein (p.Ala54Gly). This variant is present in population databases (rs755695283, gnomAD 0.003%). This variant has not been reported in the literature in individuals affected with TNNI3K-related conditions. Invitae Evidence Modeling of protein sequence and biophysical properties (such as structural, functional, and spatial information, amino acid conservation, physicochemical variation, residue mobility, and thermodynamic stability) indicates that this missense variant is not expected to disrupt TNNI3K protein function with a negative predictive value of 80%. In summary, the available evidence is currently insufficient to determine the role of this variant in disease. Therefore, it has been classified as a Variant of Uncertain Significance.